The following is an entry in ClinVar:

ClinVar aggregate classification (germline): Uncertain significance (1 of 4 stars; one submission).

Submission:

Greenwood Genetic Center Diagnostic Laboratories, Greenwood Genetic Center
Classification: Uncertain significance. Last evaluated: 2026-05-19. Review status: criteria provided, single submitter. Criteria: ACMG Guidelines, 2015. Collection method: clinical testing. Allele origin: germline.
Comment: PM2

NM_004973.4(JARID2):c.2863GAG[2] (p.Glu957del)

Gene: JARID2 (jumonji and AT-rich interaction domain containing 2; plus strand). Cytogenetic location: 6p22.3.
Variant type: Microsatellite.
Coding change: c.2863GAG[2] on transcript NM_004973.4 (MANE Select); two copies in a row of the 3-base unit GAG starting at c.2863; the reference has three copies in a row; one copy, 3 bases deleted; also written c.2869_2871del.
Protein change: p.Glu957del; deletes glutamic acid 957.
Molecular consequence: inframe deletion.
Genome position (GRCh38, 1-based): chr6:15,511,318-15,511,320, GAG deleted; deleting any 3 consecutive bases within chr6:15,511,312-15,511,320 gives the same sequence; the position shown is the placement nearest the transcript's 3' end. VCF-style (leftmost placement, unchanged base first): chr6-15511311-TGAG-T. GRCh37 (hg19) VCF-style: chr6-15511542-TGAG-T.
Other names: c.2869_2871del (NM_004973.4); c.2347GAG[2], p.Glu785del (NM_001267040.1); short protein forms E785del, E957del.
Identifiers: ClinVar variation 4891089 (VCV004891089.1).
Genomic context (GRCh38, chr6:15,511,311, plus strand): 5'-CCTTGTCAAGTCTCTGCTTGTCTCTTGTGTCTCTCAATGACCCAGGTATTGCATTCCTGC[TGAG>T]GAGGAGAACAAGCTGGAAGATGTGGTCCACACCCTGCTGCAAGCCAATGGCACCCCAGGG-3'